The following is an entry in ClinVar:

NM_001385012.1(NBEA):c.6236G>T (p.Arg2079Ile)

Gene: NBEA (neurobeachin; plus strand). Cytogenetic location: 13q13.3.
Variant type: single nucleotide variant.
Coding change: c.6236G>T on transcript NM_001385012.1 (MANE Select); coding-DNA position 6236, G replaced by T.
Protein change: p.Arg2079Ile; replaces arginine 2079 with isoleucine.
Molecular consequence: missense variant.
Genome position (GRCh38, 1-based): chr13:35,432,325, G>T. VCF-style: chr13-35432325-G-T. GRCh37 (hg19) VCF-style: chr13-36006462-G-T.
Other names: c.6227G>T, p.Arg2076Ile (NM_001379245.1); c.6236G>T, p.Arg2079Ile (NM_015678.5); short protein forms R2076I, R2079I.
Identifiers: ClinVar variation 1879252 (VCV001879252.29), dbSNP rs2549536877, ClinGen allele CA387981020.

ClinVar aggregate classification (germline): Uncertain significance (1 of 4 stars; one submission).

Submission:

CeGaT Center for Human Genetics Tuebingen
Classification: Uncertain significance. Last evaluated: 2022-11-01. Review status: criteria provided, single submitter. Criteria: CeGaT Center For Human Genetics Tuebingen Variant Classification Criteria Version 2. Collection method: clinical testing. Allele origin: germline. Affected: yes. Observed: 1 variant allele.
Comment: NBEA: PM2